The following is an entry in ClinVar:

ClinVar aggregate classification (germline): Uncertain significance (1 of 4 stars; one submission).

Conditions:
Hereditary cancer-predisposing syndrome. Also called: Neoplastic Syndromes, Hereditary; Tumor predisposition; Hereditary neoplastic syndrome; Hereditary Cancer Syndrome. Identifiers: Orphanet 140162, MedGen C0027672, MeSH D009386, MONDO:0015356.

Submission:

Color Diagnostics, LLC DBA Color Health
Classification: Uncertain significance for Hereditary cancer-predisposing syndrome. Last evaluated: 2023-12-05. Review status: criteria provided, single submitter. Criteria: ACMG Guidelines, 2015. Collection method: clinical testing. Allele origin: germline.
Comment: This missense variant replaces valine with glutamic acid at codon 1452 of the APC protein. Computational prediction suggests that this variant may not impact protein structure and function (internally defined REVEL score threshold <= 0.5, PMID: 27666373). To our knowledge, functional studies have not been reported for this variant. This variant has not been reported in individuals affected with APC-related disorders in the literature. This variant has not been identified in the general population by the Genome Aggregation Database (gnomAD). The available evidence is insufficient to determine the role of this variant in disease conclusively. Therefore, this variant is classified as a Variant of Uncertain Significance.

NM_000038.6(APC):c.4355T>A (p.Val1452Glu)

Gene: APC (APC regulator of Wnt signaling pathway; plus strand). Cytogenetic location: 5q22.2.
Variant type: single nucleotide variant.
Coding change: c.4355T>A on transcript NM_000038.6 (MANE Select); coding-DNA position 4355, T replaced by A.
Protein change: p.Val1452Glu; replaces valine 1452 with glutamic acid.
Molecular consequence: missense variant.
Genome position (GRCh38, 1-based): chr5:112,839,949, T>A. VCF-style: chr5-112839949-T-A. GRCh37 (hg19) VCF-style: chr5-112175646-T-A.
Other names: c.4355T>A, p.Val1452Glu (NM_001127510.3, NM_001354895.2); c.4301T>A, p.Val1434Glu (NM_001127511.3); c.4409T>A, p.Val1470Glu (NM_001354896.2); c.4385T>A, p.Val1462Glu (NM_001354897.2); c.4280T>A, p.Val1427Glu (NM_001354898.2); c.4271T>A, p.Val1424Glu (NM_001354899.2); c.4232T>A, p.Val1411Glu (NM_001354900.2); c.4178T>A, p.Val1393Glu (NM_001354901.2); and 5 more; short protein forms V1452E, V1434E, V1169E, V1361E, V1424E, V1470E, V1351E, V1393E.
Identifiers: ClinVar variation 628024 (VCV000628024.5), dbSNP rs1561591801, ClinGen allele CA16030870.